The following is an entry in ClinVar:

NM_018979.4(WNK1):c.6479T>G (p.Val2160Gly)

Gene: WNK1 (WNK lysine deficient protein kinase 1; plus strand). Cytogenetic location: 12p13.33.
Variant type: single nucleotide variant.
Coding change: c.6479T>G on transcript NM_018979.4 (MANE Select); coding-DNA position 6479, T replaced by G.
Protein change: p.Val2160Gly; replaces valine 2160 with glycine.
Molecular consequence: missense variant.
Genome position (GRCh38, 1-based): chr12:900,506, T>G. VCF-style: chr12-900506-T-G. GRCh37 (hg19) VCF-style: chr12-1009672-T-G.
Other names: c.7259T>G, p.Val2420Gly (NM_001184985.2); c.5735T>G, p.Val1912Gly (NM_014823.3); c.7235T>G, p.Val2412Gly (NM_213655.5); short protein forms V1912G, V2160G, V2412G, V2420G.
Identifiers: ClinVar variation 3753844 (VCV003753844.2).

ClinVar aggregate classification (germline): Uncertain significance (1 of 4 stars; one submission).

Conditions:
Neuropathy, hereditary sensory and autonomic, type 2A (HSAN2A). Also called: ACROOSTEOLYSIS, GIACCAI TYPE; ACROOSTEOLYSIS, NEUROGENIC; MORVAN DISEASE; NEUROPATHY, CONGENITAL SENSORY; NEUROPATHY, HEREDITARY SENSORY RADICULAR, AUTOSOMAL RECESSIVE; NEUROPATHY, HEREDITARY SENSORY, TYPE IIA. Identifiers: Orphanet 970, MedGen C2752089, MONDO:0024309, OMIM 201300.
Pseudohypoaldosteronism type 2C (PHA2C). Also called: Pseudohypoaldosteronism Type IIC. Identifiers: Orphanet 757, Orphanet 88940, MedGen C1840391, MONDO:0013778, OMIM 614492.

Submission:

Labcorp Genetics (formerly Invitae), Labcorp
Classification: Uncertain significance for Neuropathy, hereditary sensory and autonomic, type 2A; Pseudohypoaldosteronism type 2C. Last evaluated: 2025-01-23. Review status: criteria provided, single submitter. Criteria: Invitae Variant Classification Sherloc (09022015). Collection method: clinical testing. Allele origin: germline.
Comment: This sequence change replaces valine, which is neutral and non-polar, with glycine, which is neutral and non-polar, at codon 2412 of the WNK1 protein (p.Val2412Gly). This variant is not present in population databases (gnomAD no frequency). This variant has not been reported in the literature in individuals affected with WNK1-related conditions. Invitae Evidence Modeling of protein sequence and biophysical properties (such as structural, functional, and spatial information, amino acid conservation, physicochemical variation, residue mobility, and thermodynamic stability) indicates that this missense variant is not expected to disrupt WNK1 protein function with a negative predictive value of 95%. In summary, the available evidence is currently insufficient to determine the role of this variant in disease. Therefore, it has been classified as a Variant of Uncertain Significance.